The following is an entry in ClinVar:

NM_032888.4(COL27A1):c.4832G>A (p.Arg1611Gln)

Gene: COL27A1 (collagen type XXVII alpha 1 chain; plus strand). Cytogenetic location: 9q32.
Variant type: single nucleotide variant.
Coding change: c.4832G>A on transcript NM_032888.4 (MANE Select); coding-DNA position 4832, G replaced by A.
Protein change: p.Arg1611Gln; replaces arginine 1611 with glutamine.
Molecular consequence: missense variant.
Genome position (GRCh38, 1-based): chr9:114,301,704, G>A. VCF-style: chr9-114301704-G-A. GRCh37 (hg19) VCF-style: chr9-117063984-G-A.
Other names: c.4832G>A (NM_032888.2); short protein forms R1611Q.
Identifiers: ClinVar variation 2054584 (VCV002054584.3), dbSNP rs565852420, ClinGen allele CA5203145.
Genomic context (GRCh38, chr9:114,301,704, plus strand): 5'-GTGGACCAGGGCTCACTCTTCTTCTCTTGTTCCCCCAGGGTCCTCCCGGCCCCAGAGGGC[G>A]GCCCGGCCCCCCGGTAGGTAACTGAGTGCTGGGTGCATCTTGGACTCCTGGGGGGTTCCT-3'
Protein context (NP_116277.2, residues 1601-1621): GPRGPPGPRG[Arg1611Gln]PGPPGPPGGP

ClinVar aggregate classification (germline): Conflicting classifications of pathogenicity. Review status: criteria provided, conflicting classifications (1 of 4 stars). 2 submissions from 2 submitters: Uncertain significance (1); Likely benign (1). Last evaluated 2023-02-15.

Conditions:
Inborn genetic diseases. Identifiers: MedGen C0950123, MeSH D030342.

Allele frequency attached by ClinVar (database versions not stated): ExAC 0.00004; 1000 Genomes Project 30x 0.00047; 1000 Genomes Project 0.00060.
gnomAD v4.1: 18 of 1,611,986 alleles (0.0011%); highest among the groups gnomAD compares: South Asian, 0.0055%; no homozygotes.

Submissions (2):

Ambry Genetics
Classification: Likely benign for Inborn genetic diseases. Last evaluated: 2023-02-15. Review status: criteria provided, single submitter. Criteria: Ambry Variant Classification Scheme 2023. Collection method: clinical testing. Allele origin: germline.

Labcorp Genetics (formerly Invitae), Labcorp
Classification: Uncertain significance. Last evaluated: 2022-06-07. Review status: criteria provided, single submitter. Criteria: Invitae Variant Classification Sherloc (09022015). Collection method: clinical testing. Allele origin: germline.
Comment: This sequence change replaces arginine, which is basic and polar, with glutamine, which is neutral and polar, at codon 1611 of the COL27A1 protein (p.Arg1611Gln). This variant is present in population databases (rs565852420, gnomAD 0.007%). This variant has not been reported in the literature in individuals affected with COL27A1-related conditions. Advanced modeling of protein sequence and biophysical properties (such as structural, functional, and spatial information, amino acid conservation, physicochemical variation, residue mobility, and thermodynamic stability) performed at Invitae indicates that this missense variant is not expected to disrupt COL27A1 protein function. In summary, the available evidence is currently insufficient to determine the role of this variant in disease. Therefore, it has been classified as a Variant of Uncertain Significance.